The following is an entry in ClinVar:

ClinVar aggregate classification (germline): Pathogenic/Likely pathogenic. Review status: criteria provided, multiple submitters, no conflicts (2 of 4 stars). 2 submissions from 2 submitters: Pathogenic (1); Likely pathogenic (1). Last evaluated 2025-08-06.

Conditions:
Surfactant metabolism dysfunction, pulmonary, 1. Also called: INTERSTITIAL LUNG DISEASE DUE TO SURFACTANT PROTEIN B DEFICIENCY; INTERSTITIAL LUNG DISEASE, NONSPECIFIC, DUE TO SURFACTANT PROTEIN B DEFICIENCY; PULMONARY ALVEOLAR PROTEINOSIS, CONGENITAL, 1; Pulmonary surfactant protein B, deficiency of; Neonatal acute respiratory distress due to SP-B deficiency. Identifiers: Orphanet 217563, MedGen C1968602, MONDO:0009929, OMIM 265120.

Allele frequency attached by ClinVar (database versions not stated): ExAC 0.00001; gnomAD 0.00002; TOPMed 0.00002.
gnomAD v4.1: 25 of 1,614,116 alleles (0.0015%); highest among the groups gnomAD compares: East Asian, 0.0045%; no homozygotes.

Submissions (2):

3billion
Classification: Pathogenic for Surfactant metabolism dysfunction, pulmonary, 1. Last evaluated: 2025-08-06. Review status: criteria provided, single submitter. Criteria: ACMG Guidelines, 2015. Collection method: clinical testing. Allele origin: germline. Affected: yes.
Comment: The variant is observed at an extremely low frequency in the gnomAD v4.1.0 dataset (total allele frequency: 0.002%). Predicted Consequence/Location: Canonical splice site: predicted to alter splicing and result in a loss or disruption of normal protein function. Multiple pathogenic loss-of-function variants are reported downstream of the variant. In silico tools predict the variant to alter splicing and produce an abnormal transcript [SpliceAI: 0.60 (spliceogenicity >=0.2, non-spliceogenicity <0.1)]. The variant has been reported to be associated with SFTPB-related disorder (ClinVar ID: VCV002897901). Therefore, this variant is classified as Pathogenic according to the recommendation of ACMG/AMP guideline.

Labcorp Genetics (formerly Invitae), Labcorp
Classification: Likely pathogenic. Last evaluated: 2023-10-26. Review status: criteria provided, single submitter. Criteria: Invitae Variant Classification Sherloc (09022015). Collection method: clinical testing. Allele origin: germline.
Comment: This sequence change affects a donor splice site in intron 3 of the SFTPB gene. It is expected to disrupt RNA splicing. Variants that disrupt the donor or acceptor splice site typically lead to a loss of protein function (PMID: 16199547), and loss-of-function variants in SFTPB are known to be pathogenic (PMID: 10712351). This variant is present in population databases (rs45596037, gnomAD 0.007%). This variant has not been reported in the literature in individuals affected with SFTPB-related conditions. Algorithms developed to predict the effect of sequence changes on RNA splicing suggest that this variant may disrupt the consensus splice site. In summary, the currently available evidence indicates that the variant is pathogenic, but additional data are needed to prove that conclusively. Therefore, this variant has been classified as Likely Pathogenic.

Literature cited by the submitters: PubMed 16199547 (cited by Labcorp Genetics (formerly Invitae), Labcorp); PubMed 10712351 (cited by Labcorp Genetics (formerly Invitae), Labcorp).

NM_000542.5(SFTPB):c.195+1G>A

Gene: SFTPB (surfactant protein B; minus strand). Cytogenetic location: 2p11.2.
Variant type: single nucleotide variant.
Coding change: c.195+1G>A on transcript NM_000542.5 (MANE Select); the canonical splice donor site of the intron after coding-DNA position 195, G replaced by A.
Molecular consequence: splice donor variant.
Genome position (GRCh38, 1-based): chr2:85,667,678, C>T on the plus strand (G>A on the coding strand, the complement: SFTPB is on the minus strand). VCF-style: chr2-85667678-C-T. GRCh37 (hg19) VCF-style: chr2-85894801-C-T.
Other names: c.195+1G>A (NM_198843.3, NM_001367281.1).
Identifiers: ClinVar variation 2897901 (VCV002897901.4), dbSNP rs45596037, ClinGen allele CA1744165.